The following is an entry in ClinVar:

ClinVar aggregate classification (germline): Uncertain significance (1 of 4 stars; one submission).

gnomAD v4.1: 1 of 1,548,174 alleles (0.000065%); highest among the groups gnomAD compares: Non-Finnish European, 0.000087%; no homozygotes.

Submission:

Women's Health and Genetics/Laboratory Corporation of America, LabCorp
Classification: Uncertain significance. Last evaluated: 2025-11-24. Review status: criteria provided, single submitter. Criteria: LabCorp Variant Classification Summary - May 2015. Collection method: clinical testing. Allele origin: germline.
Comment: Variant summary: COL12A1 c.8405C>G (p.Pro2802Arg) results in a non-conservative amino acid change in the encoded protein sequence. Algorithms developed to predict the effect of missense changes on protein structure and function are either unavailable or do not agree on the potential impact of this missense change. The variant was absent in 205448 control chromosomes. The available data on variant occurrences in the general population are insufficient to allow any conclusion about variant significance. To our knowledge, no occurrence of c.8405C>G in individuals affected with COL12A1-related conditions and no experimental evidence demonstrating its impact on protein function have been reported. No submitters have cited clinical-significance assessments for this variant to ClinVar. Based on the evidence outlined above, the variant was classified as uncertain significance.

NM_004370.6(COL12A1):c.8405C>G (p.Pro2802Arg)

Gene: COL12A1 (collagen type XII alpha 1 chain; minus strand). Cytogenetic location: 6q13.
Variant type: single nucleotide variant.
Coding change: c.8405C>G on transcript NM_004370.6 (MANE Select); coding-DNA position 8405, C replaced by G.
Protein change: p.Pro2802Arg; replaces proline 2802 with arginine.
Molecular consequence: missense variant.
Genome position (GRCh38, 1-based): chr6:75,102,607, G>C on the plus strand (C>G on the coding strand, the complement: COL12A1 is on the minus strand). VCF-style: chr6-75102607-G-C. GRCh37 (hg19) VCF-style: chr6-75812323-G-C.
Other names: c.8405C>G, p.Pro2802Arg (NM_001424113.1); c.8384C>G, p.Pro2795Arg (NM_001424114.1); c.8132C>G, p.Pro2711Arg (NM_001424115.1); c.4913C>G, p.Pro1638Arg (NM_001424116.1, NM_080645.3); short protein forms P1638R, P2711R, P2795R, P2802R.
Identifiers: ClinVar variation 4537237 (VCV004537237.1).